The following is an entry in ClinVar:

ClinVar aggregate classification (germline): Uncertain significance (1 of 4 stars; one submission).

Allele frequency attached by ClinVar (database versions not stated): gnomAD exomes below 0.00001; gnomAD 0.00001; TOPMed 0.00002; ExAC 0.00005.

Submission:

Labcorp Genetics (formerly Invitae), Labcorp
Classification: Uncertain significance. Last evaluated: 2023-10-14. Review status: criteria provided, single submitter. Criteria: Invitae Variant Classification Sherloc (09022015). Collection method: clinical testing. Allele origin: germline.
Comment: This sequence change replaces methionine, which is neutral and non-polar, with valine, which is neutral and non-polar, at codon 179 of the SNRPB protein (p.Met179Val). This variant is present in population databases (rs770650165, gnomAD 0.02%). This variant has not been reported in the literature in individuals affected with SNRPB-related conditions. Experimental studies and prediction algorithms are not available or were not evaluated, and the functional significance of this variant is currently unknown. In summary, the available evidence is currently insufficient to determine the role of this variant in disease. Therefore, it has been classified as a Variant of Uncertain Significance.

NM_003091.4(SNRPB):c.535A>G (p.Met179Val)

Gene: SNRPB (small nuclear ribonucleoprotein polypeptides B and B1; minus strand). Cytogenetic location: 20p13.
Variant type: single nucleotide variant.
Coding change: c.535A>G on transcript NM_003091.4 (MANE Select); coding-DNA position 535, A replaced by G.
Protein change: p.Met179Val; replaces methionine 179 with valine.
Molecular consequence: missense variant.
Genome position (GRCh38, 1-based): chr20:2,463,113, T>C on the plus strand (A>G on the coding strand, the complement: SNRPB is on the minus strand). VCF-style: chr20-2463113-T-C. GRCh37 (hg19) VCF-style: chr20-2443759-T-C.
Other names: c.535A>G, p.Met179Val (NM_198216.2); short protein forms M179V.
Identifiers: ClinVar variation 2801551 (VCV002801551.3), dbSNP rs770650165, ClinGen allele CA9732418.
Genomic context (GRCh38, chr20:2,463,113, plus strand): 5'-TATCAATTAGCACTGGTCTCCTTATGGGCTCCTCACCTGGAGGGGGTGCTCCTCGGCCCA[T>C]AGGTGGGGGAGGACCCCCACGGCCAGGTGGGTACTGGGTTGGAGCCCCGGCAATACTGGC-3'
Protein context (NP_003082.1, residues 169-189): PPGRGGPPPP[Met179Val]GRGAPPPGMM